The following is an entry in ClinVar:

NM_182972.3(IRF2BP2):c.283C>A (p.Gln95Lys)

Genes: IRF2BP2 (interferon regulatory factor 2 binding protein 2; minus strand), LOC129932812 (ATAC-STARR-seq lymphoblastoid silent region 1977; plus strand). Cytogenetic location: 1q42.3.
Variant type: single nucleotide variant.
Coding change: c.283C>A on transcript NM_182972.3 (MANE Select); coding-DNA position 283, C replaced by A.
Protein change: p.Gln95Lys; replaces glutamine 95 with lysine.
Molecular consequence: missense variant.
Genome position (GRCh38, 1-based): chr1:234,609,212, G>T on the plus strand (C>A on the coding strand, the complement: IRF2BP2 is on the minus strand). VCF-style: chr1-234609212-G-T. GRCh37 (hg19) VCF-style: chr1-234744958-G-T.
Other names: c.283C>A, p.Gln95Lys (NM_001077397.1); short protein forms Q95K.
Identifiers: ClinVar variation 3667874 (VCV003667874.2).

ClinVar aggregate classification (germline): Uncertain significance (1 of 4 stars; one submission).

Submission:

Labcorp Genetics (formerly Invitae), Labcorp
Classification: Uncertain significance. Last evaluated: 2024-06-20. Review status: criteria provided, single submitter. Criteria: Invitae Variant Classification Sherloc (09022015). Collection method: clinical testing. Allele origin: germline.
Comment: This sequence change replaces glutamine, which is neutral and polar, with lysine, which is basic and polar, at codon 95 of the IRF2BP2 protein (p.Gln95Lys). This variant is not present in population databases (gnomAD no frequency). This variant has not been reported in the literature in individuals affected with IRF2BP2-related conditions. An algorithm developed to predict the effect of missense changes on protein structure and function (PolyPhen-2) suggests that this variant is likely to be tolerated. In summary, the available evidence is currently insufficient to determine the role of this variant in disease. Therefore, it has been classified as a Variant of Uncertain Significance.